The following is an entry in ClinVar:

ClinVar aggregate classification (germline): Likely pathogenic (1 of 4 stars; one submission).

Conditions:
Retinal dystrophy. Also called: Inherited retinal dystrophy. Identifiers: Orphanet 71862, MedGen C0854723, MeSH D058499, MONDO:0019118, HP:0000556.

gnomAD v4.1: 1 of 1,608,592 alleles (0.000062%); highest among the groups gnomAD compares: East Asian, 0.0022%; no homozygotes.

Submission:

Ophthalmic Genetics Group, Institute of Molecular and Clinical Ophthalmology Basel
Classification: Likely pathogenic for Retinal dystrophy. Last evaluated: 2024-05-27. Review status: criteria provided, single submitter. Criteria: ACMG Guidelines, 2015. Collection method: research. Allele origin: germline. Affected: yes. Observed: 2 variant alleles.
Comment: This variant was classified as Likely pathogenic based on ACMG criteria: PM1_mod, PM2_mod, PM5_mod and PP3_mod

Literature cited by the submitters: PubMed 40180963.

NM_152443.3(RDH12):c.433G>A (p.Gly145Arg)

Genes: GPHN (gephyrin; plus strand), RDH12 (retinol dehydrogenase 12; plus strand). Cytogenetic location: 14q24.1.
Variant type: single nucleotide variant.
Coding change: c.433G>A on transcript NM_152443.3 (MANE Select); coding-DNA position 433, G replaced by A.
Protein change: p.Gly145Arg; replaces glycine 145 with arginine.
Molecular consequence: missense variant.
Genome position (GRCh38, 1-based): chr14:67,726,140, G>A. VCF-style: chr14-67726140-G-A. GRCh37 (hg19) VCF-style: chr14-68192857-G-A.
Other names: NC_000014.8:g.68192857G>A; NP_689656.2:p.(Gly145Arg); short protein forms G145R.
Identifiers: ClinVar variation 3381767 (VCV003381767.2).